The following is an entry in ClinVar:

ClinVar aggregate classification (germline): Uncertain significance (1 of 4 stars; one submission).

gnomAD v4.1: 2 of 1,614,048 alleles (0.00012%); highest among the groups gnomAD compares: Admixed American, 0.0017%; no homozygotes.

Submission:

Ambry Genetics
Classification: Uncertain significance. Last evaluated: 2024-03-28. Review status: criteria provided, single submitter. Criteria: Ambry Variant Classification Scheme 2023. Collection method: clinical testing. Allele origin: germline.
Comment: The p.A1173V variant (also known as c.3518C>T), located in coding exon 4 of the ALPK2 gene, results from a C to T substitution at nucleotide position 3518. The alanine at codon 1173 is replaced by valine, an amino acid with similar properties. This amino acid position is conserved. In addition, this alteration is predicted to be tolerated by in silico analysis. Based on the available evidence, the clinical significance of this alteration remains unclear.

NM_052947.4(ALPK2):c.3518C>T (p.Ala1173Val)

Gene: ALPK2 (alpha kinase 2; minus strand). Cytogenetic location: 18q21.31.
Variant type: single nucleotide variant.
Coding change: c.3518C>T on transcript NM_052947.4 (MANE Select); coding-DNA position 3518, C replaced by T.
Protein change: p.Ala1173Val; replaces alanine 1173 with valine.
Molecular consequence: missense variant.
Genome position (GRCh38, 1-based): chr18:58,536,669, G>A on the plus strand (C>T on the coding strand, the complement: ALPK2 is on the minus strand). VCF-style: chr18-58536669-G-A. GRCh37 (hg19) VCF-style: chr18-56203901-G-A.
Other names: short protein forms A1173V.
Identifiers: ClinVar variation 3289907 (VCV003289907.1).